The following is an entry in ClinVar:

NM_001276270.2(MBD4):c.111A>T (p.Glu37Asp)

Gene: MBD4 (methyl-CpG binding domain 4, DNA glycosylase; minus strand). Cytogenetic location: 3q21.3.
Variant type: single nucleotide variant.
Coding change: c.111A>T on transcript NM_001276270.2 (MANE Select); coding-DNA position 111, A replaced by T.
Protein change: p.Glu37Asp; replaces glutamic acid 37 with aspartic acid.
Molecular consequence: missense variant.
Genome position (GRCh38, 1-based): chr3:129,437,944, T>A on the plus strand (A>T on the coding strand, the complement: MBD4 is on the minus strand). VCF-style: chr3-129437944-T-A. GRCh37 (hg19) VCF-style: chr3-129156787-T-A.
Other names: c.111A>T, p.Glu37Asp (NM_001276271.2, NM_001276272.2, NM_001276273.2 and 1 more transcripts); short protein forms E37D.
Identifiers: ClinVar variation 1337678 (VCV001337678.8), dbSNP rs200224645, ClinGen allele CA2605601.

ClinVar aggregate classification (germline): Conflicting classifications of pathogenicity. Review status: criteria provided, conflicting classifications (1 of 4 stars). 3 submissions from 3 submitters: Uncertain significance (2); Likely benign (1). Last evaluated 2026-01-06.

Conditions:
Inborn genetic diseases. Identifiers: MedGen C0950123, MeSH D030342.

Allele frequency attached by ClinVar (database versions not stated): gnomAD exomes 0.00002 and 0.00013; gnomAD 0.00005 and 0.00004; 1000 Genomes Project 0.00060; TOPMed 0.00005; ExAC 0.00015; 1000 Genomes Project 30x 0.00062.
gnomAD v4.1: 35 of 1,593,884 alleles (0.0022%); highest among the groups gnomAD compares: East Asian, 0.069%; no homozygotes.

Submissions (3):

Labcorp Genetics (formerly Invitae), Labcorp
Classification: Uncertain significance. Last evaluated: 2026-01-06. Review status: criteria provided, single submitter. Criteria: Invitae Variant Classification Sherloc (09022015). Collection method: clinical testing. Allele origin: germline.
Comment: This sequence change replaces glutamic acid, which is acidic and polar, with aspartic acid, which is acidic and polar, at codon 37 of the MBD4 protein (p.Glu37Asp). This variant is present in population databases (rs200224645, gnomAD 0.2%). This variant has not been reported in the literature in individuals affected with MBD4-related conditions. ClinVar contains an entry for this variant (Variation ID: 1337678). An algorithm developed to predict the effect of missense changes on protein structure and function (PolyPhen-2) suggests that this variant is likely to be disruptive. In summary, the available evidence is currently insufficient to determine the role of this variant in disease. Therefore, it has been classified as a Variant of Uncertain Significance.

Ambry Genetics
Classification: Likely benign for Inborn genetic diseases. Last evaluated: 2024-07-29. Review status: criteria provided, single submitter. Criteria: Ambry Variant Classification Scheme 2023. Collection method: clinical testing. Allele origin: germline.

Genetic Services Laboratory, University of Chicago
Classification: Uncertain significance. Last evaluated: 2021-06-28. Review status: criteria provided, single submitter. Criteria: ACMG Guidelines, 2015. Collection method: clinical testing. Allele origin: germline. Affected: no.
Comment: DNA sequence analysis of the MBD4 gene demonstrated a sequence change, c.111A>T, in exon 2 that results in an amino acid change, p.Glu37Asp. This sequence change does not appear to have been previously described in individuals with MBD4-related disorders. This sequence change has been described in the gnomAD database with a frequency of 0.185% in the east Asian subpopulation (dbSNP rs200224645). The p.Glu37Asp change affects a moderately conserved amino acid residue located in a domain of the MBD4 protein that is known to be functional. In-silico pathogenicity prediction tools (SIFT, PolyPhen2, Align GVGD, REVEL) provide contradictory results for the p.Glu37Asp substitution. Due to these contrasting evidences and the lack of functional studies, the clinical significance of the p.Glu37Asp change remains unknown at this time.